The following is an entry in ClinVar:

NM_014679.5(CEP57):c.1364G>A (p.Gly455Glu)

Gene: CEP57 (centrosomal protein 57; plus strand). Cytogenetic location: 11q21.
Variant type: single nucleotide variant.
Coding change: c.1364G>A on transcript NM_014679.5 (MANE Select); coding-DNA position 1364, G replaced by A.
Protein change: p.Gly455Glu; replaces glycine 455 with glutamic acid.
Molecular consequence: missense variant.
Genome position (GRCh38, 1-based): chr11:95,831,117, G>A. VCF-style: chr11-95831117-G-A. GRCh37 (hg19) VCF-style: chr11-95564281-G-A.
Other names: c.1337G>A, p.Gly446Glu (NM_001243776.2); c.1286G>A, p.Gly429Glu (NM_001243777.2); c.1283G>A, p.Gly428Glu (NM_001363604.2); c.1364G>A (NM_014679.4); short protein forms G429E, G455E, G428E, G446E.
Identifiers: ClinVar variation 1392874 (VCV001392874.9), dbSNP rs1565336775, ClinGen allele CA382409709.

ClinVar aggregate classification (germline): Uncertain significance. Review status: criteria provided, multiple submitters, no conflicts (2 of 4 stars). 2 submissions from 2 submitters: Uncertain significance (2). Last evaluated 2025-10-27.

Conditions:
Inborn genetic diseases. Identifiers: MedGen C0950123, MeSH D030342.
Mosaic variegated aneuploidy syndrome 2 (MVA2). Identifiers: Orphanet 1052, MedGen C3279843, MONDO:0013582, OMIM 614114.

gnomAD v4.1: 1 of 1,613,554 alleles (0.000062%); no homozygotes.

Submissions (2):

Labcorp Genetics (formerly Invitae), Labcorp
Classification: Uncertain significance for Mosaic variegated aneuploidy syndrome 2. Last evaluated: 2025-10-27. Review status: criteria provided, single submitter. Criteria: Invitae Variant Classification Sherloc (09022015). Collection method: clinical testing. Allele origin: germline.
Comment: This sequence change replaces glycine, which is neutral and non-polar, with glutamic acid, which is acidic and polar, at codon 455 of the CEP57 protein (p.Gly455Glu). This variant is not present in population databases (gnomAD no frequency). This variant has not been reported in the literature in individuals affected with CEP57-related conditions. ClinVar contains an entry for this variant (Variation ID: 1392874). Invitae Evidence Modeling of protein sequence and biophysical properties (such as structural, functional, and spatial information, amino acid conservation, physicochemical variation, residue mobility, and thermodynamic stability) indicates that this missense variant is not expected to disrupt CEP57 protein function with a negative predictive value of 80%. In summary, the available evidence is currently insufficient to determine the role of this variant in disease. Therefore, it has been classified as a Variant of Uncertain Significance.

Ambry Genetics
Classification: Uncertain significance for Inborn genetic diseases. Last evaluated: 2024-11-24. Review status: criteria provided, single submitter. Criteria: Ambry Variant Classification Scheme 2023. Collection method: clinical testing. Allele origin: germline.
Comment: The p.G455E variant (also known as c.1364G>A), located in coding exon 11 of the CEP57 gene, results from a G to A substitution at nucleotide position 1364. The glycine at codon 455 is replaced by glutamic acid, an amino acid with similar properties. This amino acid position is conserved. In addition, this alteration is predicted to be tolerated by in silico analysis. Based on the available evidence, the clinical significance of this variant remains unclear.